The following is an entry in ClinVar:

NM_006389.5(HYOU1):c.369C>A (p.His123Gln)

Gene: HYOU1 (hypoxia up-regulated 1; minus strand). Cytogenetic location: 11q23.3.
Variant type: single nucleotide variant.
Coding change: c.369C>A on transcript NM_006389.5 (MANE Select); coding-DNA position 369, C replaced by A.
Protein change: p.His123Gln; replaces histidine 123 with glutamine.
Molecular consequence: missense variant.
Genome position (GRCh38, 1-based): chr11:119,055,235, G>T on the plus strand (C>A on the coding strand, the complement: HYOU1 is on the minus strand). VCF-style: chr11-119055235-G-T. GRCh37 (hg19) VCF-style: chr11-118925947-G-T.
Other names: c.369C>A, p.His123Gln (NM_001130991.3, NM_001411041.1); short protein forms H123Q.
Identifiers: ClinVar variation 2742094 (VCV002742094.3), dbSNP rs782262662, ClinGen allele CA382952475.

ClinVar aggregate classification (germline): Uncertain significance (1 of 4 stars; one submission).

Submission:

Labcorp Genetics (formerly Invitae), Labcorp
Classification: Uncertain significance. Last evaluated: 2023-06-03. Review status: criteria provided, single submitter. Criteria: Invitae Variant Classification Sherloc (09022015). Collection method: clinical testing. Allele origin: germline.
Comment: In summary, the available evidence is currently insufficient to determine the role of this variant in disease. Therefore, it has been classified as a Variant of Uncertain Significance. Algorithms developed to predict the effect of missense changes on protein structure and function output the following: SIFT: "Not Available"; PolyPhen-2: "Benign"; Align-GVGD: "Not Available". The glutamine amino acid residue is found in multiple mammalian species, which suggests that this missense change does not adversely affect protein function. This variant has not been reported in the literature in individuals affected with HYOU1-related conditions. This variant is not present in population databases (gnomAD no frequency). This sequence change replaces histidine, which is basic and polar, with glutamine, which is neutral and polar, at codon 123 of the HYOU1 protein (p.His123Gln).